The following is an entry in ClinVar:

NM_001375834.1(WIPF1):c.253G>C (p.Gly85Arg)

Genes: WIPF1 (WAS/WASL interacting protein family member 1; minus strand), WIPF1-AS1 (WIPF1 and CHRNA1 antisense RNA 1; plus strand). Cytogenetic location: 2q31.1.
Variant type: single nucleotide variant.
Coding change: c.253G>C on transcript NM_001375834.1 (MANE Select); coding-DNA position 253, G replaced by C.
Protein change: p.Gly85Arg; replaces glycine 85 with arginine.
Molecular consequence: missense variant. On other transcripts: intron variant (1).
Genome position (GRCh38, 1-based): chr2:174,575,309, C>G on the plus strand (G>C on the coding strand, the complement: WIPF1 is on the minus strand). VCF-style: chr2-174575309-C-G. GRCh37 (hg19) VCF-style: chr2-175440037-C-G.
Other names: c.253G>C, p.Gly85Arg (NM_001077269.1, NM_001375832.1, NM_001375833.1 and 5 more transcripts); c.182-3064G>C (NM_001375839.1); short protein forms G85R.
Identifiers: ClinVar variation 3709607 (VCV003709607.2).

ClinVar aggregate classification (germline): Uncertain significance (1 of 4 stars; one submission).

Conditions:
Wiskott-Aldrich syndrome 2 (WAS2). Also called: WIPF1 DEFICIENCY. Identifiers: Orphanet 906, MedGen C3281001, MONDO:0013779, OMIM 614493.

gnomAD v4.1: 5 of 1,613,846 alleles (0.00031%); highest among the groups gnomAD compares: African/African-American, 0.0013%; no homozygotes.

Submission:

Labcorp Genetics (formerly Invitae), Labcorp
Classification: Uncertain significance for Wiskott-Aldrich syndrome 2. Last evaluated: 2024-04-20. Review status: criteria provided, single submitter. Criteria: Invitae Variant Classification Sherloc (09022015). Collection method: clinical testing. Allele origin: germline.
Comment: This sequence change replaces glycine, which is neutral and non-polar, with arginine, which is basic and polar, at codon 85 of the WIPF1 protein (p.Gly85Arg). This variant is present in population databases (no rsID available, gnomAD 0.007%). This variant has not been reported in the literature in individuals affected with WIPF1-related conditions. An algorithm developed to predict the effect of missense changes on protein structure and function (PolyPhen-2) suggests that this variant is likely to be tolerated. In summary, the available evidence is currently insufficient to determine the role of this variant in disease. Therefore, it has been classified as a Variant of Uncertain Significance.